The following is an entry in ClinVar:

ClinVar aggregate classification (germline): Uncertain significance. Review status: criteria provided, multiple submitters, no conflicts (2 of 4 stars). 2 submissions from 2 submitters: Uncertain significance (2). Last evaluated 2025-04-20.

Conditions:
Inborn genetic diseases. Identifiers: MedGen C0950123, MeSH D030342.

Submissions (2):

Ambry Genetics
Classification: Uncertain significance for Inborn genetic diseases. Last evaluated: 2025-04-20. Review status: criteria provided, single submitter. Criteria: Ambry Variant Classification Scheme 2023. Collection method: clinical testing. Allele origin: germline.

Labcorp Genetics (formerly Invitae), Labcorp
Classification: Uncertain significance. Last evaluated: 2025-03-10. Review status: criteria provided, single submitter. Criteria: Invitae Variant Classification Sherloc (09022015). Collection method: clinical testing. Allele origin: germline.
Comment: This sequence change replaces arginine, which is basic and polar, with glutamine, which is neutral and polar, at codon 129 of the INPPL1 protein (p.Arg129Gln). The frequency data for this variant in the population databases is considered unreliable, as metrics indicate poor data quality at this position in the gnomAD database. This variant has not been reported in the literature in individuals affected with INPPL1-related conditions. ClinVar contains an entry for this variant (Variation ID: 1917988). An algorithm developed to predict the effect of missense changes on protein structure and function (PolyPhen-2) suggests that this variant is likely to be disruptive. In summary, the available evidence is currently insufficient to determine the role of this variant in disease. Therefore, it has been classified as a Variant of Uncertain Significance.

NM_001567.4(INPPL1):c.386G>A (p.Arg129Gln)

Gene: INPPL1 (inositol polyphosphate phosphatase like 1; plus strand). Cytogenetic location: 11q13.4.
Variant type: single nucleotide variant.
Coding change: c.386G>A on transcript NM_001567.4 (MANE Select); coding-DNA position 386, G replaced by A.
Protein change: p.Arg129Gln; replaces arginine 129 with glutamine.
Molecular consequence: missense variant.
Genome position (GRCh38, 1-based): chr11:72,228,487, G>A. VCF-style: chr11-72228487-G-A. GRCh37 (hg19) VCF-style: chr11-71939531-G-A.
Other names: c.386G>A (NM_001567.3); short protein forms R129Q.
Identifiers: ClinVar variation 1917988 (VCV001917988.4), dbSNP rs755641145, ClinGen allele CA6169640.